The following is an entry in ClinVar:

NM_000152.5(GAA):c.1220A>G (p.Tyr407Cys)

Gene: GAA (alpha glucosidase; plus strand). Cytogenetic location: 17q25.3.
Variant type: single nucleotide variant.
Coding change: c.1220A>G on transcript NM_000152.5 (MANE Select); coding-DNA position 1220, A replaced by G.
Protein change: p.Tyr407Cys; replaces tyrosine 407 with cysteine.
Molecular consequence: missense variant.
Genome position (GRCh38, 1-based): chr17:80,108,722, A>G. VCF-style: chr17-80108722-A-G. GRCh37 (hg19) VCF-style: chr17-78082521-A-G.
Other names: c.1220A>G, p.Tyr407Cys (NM_001079803.3, NM_001079804.3, NM_001406741.1 and 1 more transcripts); short protein forms Y407C.
Identifiers: ClinVar variation 2908096 (VCV002908096.4), dbSNP rs780674083, ClinGen allele CA8815235.

ClinVar aggregate classification (germline): Conflicting classifications of pathogenicity. Review status: criteria provided, conflicting classifications (1 of 4 stars). 2 submissions from 2 submitters: Likely pathogenic (1); Uncertain significance (1). Last evaluated 2026-07-01.

Conditions:
Glycogen storage disease, type II (IOPD). Also called: CARDIOMEGALIA GLYCOGENICA DIFFUSA; GLYCOGENOSIS, GENERALIZED, CARDIAC FORM; GSD II; Glycogen storage disease type 2; Acid maltase deficiency disease; Aglucosidase alfa. Identifiers: Orphanet 365, MedGen C0017921, MONDO:0009290, OMIM 232300.

Allele frequency attached by ClinVar (database versions not stated): gnomAD exomes 0.00001; TOPMed 0.00001; ExAC 0.00002.
gnomAD v4.1: 4 of 1,612,586 alleles (0.00025%); highest among the groups gnomAD compares: Admixed American, 0.0067%; no homozygotes.

Submissions (2):

Genomenon, Inc
Classification: Uncertain significance for Glycogen storage disease, type II. Last evaluated: 2026-07-01. Review status: criteria provided, single submitter. Criteria: Genomenon Sequence Variant Interpretation Standards - Updated. Collection method: curation. Allele origin: germline. Affected: no.
Comment: GAA p.Tyr407Cys (c.1220A>G) is a missense variant that changes the amino acid at codon 407 from Tyrosine to Cysteine. This variant has been reported in the published literature (PMID:28302345;35787971;33560568;33073027). It is absent or not present at a significant frequency in gnomAD. In silico models predict that this variant is possibly or probably damaging. In conclusion, we classify GAA p.Tyr407Cys (c.1220A>G) as a variant of uncertain significance.

Labcorp Genetics (formerly Invitae), Labcorp
Classification: Likely pathogenic for Glycogen storage disease, type II. Last evaluated: 2025-03-29. Review status: criteria provided, single submitter. Criteria: Invitae Variant Classification Sherloc (09022015). Collection method: clinical testing. Allele origin: germline.
Comment: This sequence change replaces tyrosine, which is neutral and polar, with cysteine, which is neutral and slightly polar, at codon 407 of the GAA protein (p.Tyr407Cys). This variant is present in population databases (rs780674083, gnomAD 0.01%). This variant has not been reported in the literature in individuals affected with GAA-related conditions. ClinVar contains an entry for this variant (Variation ID: 2908096). Invitae Evidence Modeling of protein sequence and biophysical properties (such as structural, functional, and spatial information, amino acid conservation, physicochemical variation, residue mobility, and thermodynamic stability) indicates that this missense variant is expected to disrupt GAA protein function with a positive predictive value of 95%. This variant disrupts the p.Tyr407 amino acid residue in GAA. Other variant(s) that disrupt this residue have been determined to be pathogenic (PMID: 33560568; internal data). This suggests that this residue is clinically significant, and that variants that disrupt this residue are likely to be disease-causing. In summary, the currently available evidence indicates that the variant is pathogenic, but additional data are needed to prove that conclusively. Therefore, this variant has been classified as Likely Pathogenic.

Literature cited by the submitters: PubMed 28302345 (cited by Genomenon, Inc); PubMed 35787971 (cited by Genomenon, Inc); PubMed 33560568 (cited by Genomenon, Inc and Labcorp Genetics (formerly Invitae), Labcorp); PubMed 33073027 (cited by Genomenon, Inc).